The following is an entry in ClinVar:

ClinVar aggregate classification (germline): Uncertain significance (1 of 4 stars; one submission).

Conditions:
Developmental and epileptic encephalopathy, 36 (DEE36). Also called: Congenital disorder of glycosylation, type Is; Epileptic encephalopathy, early infantile, 36; ALG13-CDG. Identifiers: Orphanet 324422, MedGen C4317295, MONDO:0010472, OMIM 300884.

Allele frequency attached by ClinVar (database versions not stated): gnomAD exomes below 0.00001; TOPMed below 0.00001; gnomAD 0.00001 and 0.00002.
gnomAD v4.1: 6 of 1,208,362 alleles (0.0005%); highest among the groups gnomAD compares: African/African-American, 0.0035%; no homozygotes.

Submission:

Labcorp Genetics (formerly Invitae), Labcorp
Classification: Uncertain significance for Developmental and epileptic encephalopathy, 36. Last evaluated: 2025-05-31. Review status: criteria provided, single submitter. Criteria: Invitae Variant Classification Sherloc (09022015). Collection method: clinical testing. Allele origin: germline.
Comment: This sequence change replaces isoleucine, which is neutral and non-polar, with valine, which is neutral and non-polar, at codon 732 of the ALG13 protein (p.Ile732Val). This variant is present in population databases (no rsID available, gnomAD 0.02%). This variant has not been reported in the literature in individuals affected with ALG13-related conditions. ClinVar contains an entry for this variant (Variation ID: 1354879). Invitae Evidence Modeling of protein sequence and biophysical properties (such as structural, functional, and spatial information, amino acid conservation, physicochemical variation, residue mobility, and thermodynamic stability) indicates that this missense variant is not expected to disrupt ALG13 protein function with a negative predictive value of 95%. In summary, the available evidence is currently insufficient to determine the role of this variant in disease. Therefore, it has been classified as a Variant of Uncertain Significance.

NM_001099922.3(ALG13):c.2194A>G (p.Ile732Val)

Gene: ALG13 (ALG13 UDP-N-acetylglucosaminyltransferase subunit; plus strand). Cytogenetic location: Xq23.
Variant type: single nucleotide variant.
Coding change: c.2194A>G on transcript NM_001099922.3 (MANE Select); coding-DNA position 2194, A replaced by G.
Protein change: p.Ile732Val; replaces isoleucine 732 with valine.
Molecular consequence: missense variant. On other transcripts: non-coding transcript variant (1).
Genome position (GRCh38, 1-based): chrX:111,727,717, A>G. VCF-style: chrX-111727717-A-G. GRCh37 (hg19) VCF-style: chrX-110970945-A-G.
Other names: c.1882A>G, p.Ile628Val (NM_001257230.2, NM_001257234.2, NM_001257237.2); c.1960A>G, p.Ile654Val (NM_001257231.2); c.2194A>G, p.Ile732Val (NM_001324292.2); c.1708A>G, p.Ile570Val (NM_001324293.1); short protein forms I628V, I570V, I654V, I732V.
Identifiers: ClinVar variation 1354879 (VCV001354879.6), dbSNP rs1278669534, ClinGen allele CA414253487.
Genomic context (GRCh38, chrX:111,727,717, plus strand): 5'-GAGTCCCAGTATGGATTTACCCCAGGGAATGGACAGATGCCCAGGGGCTTGGAAGAAACT[A>G]TTACTTTTTATGAAGTTGAAGAAGGGGATGAGACTGCTTATCCAACTTTACCTGTGAGTG-3'
Protein context (NP_001093392.1, residues 722-742): GQMPRGLEET[Ile732Val]TFYEVEEGDE